The following is an entry in ClinVar:

ClinVar aggregate classification (germline): Pathogenic/Likely pathogenic. Review status: criteria provided, multiple submitters, no conflicts (2 of 4 stars). 5 submissions from 5 submitters: Pathogenic (3); Likely pathogenic (2). Last evaluated 2026-01-14.

Conditions:
Tooth agenesis, selective, X-linked, 1 (STHAGX1). Also called: HYPODONTIA/OLIGODONTIA, X-LINKED, 1. Identifiers: Orphanet 99798, MedGen C1970757, MONDO:0010741, OMIM 313500. Disease mechanism: loss of function.
Hypohidrotic X-linked ectodermal dysplasia (XHED). Also called: Ectodermal Dysplasia 1, Anhidrotic; ECTODERMAL DYSPLASIA, HYPOHIDROTIC, 1; CST SYNDROME; ECTODERMAL DYSPLASIA 1; Anhidrotic ectodermal dysplasia X-linked; Christ Siemens Touraine syndrome. Identifiers: Orphanet 181, Orphanet 238468, MedGen C0162359, MONDO:0010585, OMIM 305100.
EDA-related disorder. Also called: EDA-related disorders; EDA-related condition.

Submissions (5):

GeneDx
Classification: Pathogenic. Last evaluated: 2026-01-14. Review status: criteria provided, single submitter. Criteria: GeneDx Variant Classification Process June 2021. Collection method: clinical testing. Allele origin: germline. Affected: yes.
Comment: In-frame deletion of 6 amino acid(s)in a non-repeat region predicted to critically alter the protein; In silico analysis supports a deleterious effect on protein structure/function; This variant is associated with the following publications: (PMID: 23991204, 31796081, 41465157)

Labcorp Genetics (formerly Invitae), Labcorp
Classification: Pathogenic for Hypohidrotic X-linked ectodermal dysplasia. Last evaluated: 2025-06-17. Review status: criteria provided, single submitter. Criteria: Invitae Variant Classification Sherloc (09022015). Collection method: clinical testing. Allele origin: germline.
Comment: This variant, c.612_629del, results in the deletion of 6 amino acid(s) of the EDA protein (p.Ile205_Gly210del), but otherwise preserves the integrity of the reading frame. This variant is present in population databases (no rsID available, gnomAD 0.005%). This variant has been observed in individual(s) with clinical features of ectodermal dysplasia and non-syndromic tooth agenesis (PMID: 23991204; internal data). In at least one individual the variant was observed to be de novo. ClinVar contains an entry for this variant (Variation ID: 418170). Experimental studies and prediction algorithms are not available or were not evaluated, and the functional significance of this variant is currently unknown. This variant disrupts the p.Pro206 amino acid residue in EDA. Other variant(s) that disrupt this residue have been determined to be pathogenic (internal data). This suggests that this residue is clinically significant, and that variants that disrupt this residue are likely to be disease-causing. For these reasons, this variant has been classified as Pathogenic.

Victorian Clinical Genetics Services, Murdoch Childrens Research Institute
Classification: Likely pathogenic for Tooth agenesis, selective, X-linked, 1. Last evaluated: 2024-10-09. Review status: criteria provided, single submitter. Criteria: ACMG Guidelines, 2015. Collection method: clinical testing. Allele origin: germline. Inheritance: X-linked dominant inheritance. Affected: yes.
Comment: Based on the classification scheme VCGS_Germline_v1.3.5, this variant is classified as Likely pathogenic. Following criteria are met: 0102 - Loss of function is a known mechanism of disease in this gene and is associated with X-linked recessive ectodermal dysplasia 1, hypohidrotic (HED; MIM#305100) and X-linked dominant tooth agenesis, selective 1 (TA; MIM#313500). (I) 0108 - This gene is associated with both X-linked recessive and dominant disease. Female carriers of variants causing either condition may be normal or mildly affected, depending on skewed X-inactivation (PMID: 18510547, 16583127). (I) 0214 - In-frame deletion fully contained in a repetitive region that has high conservation. (SP) 0253 - This variant is hemizygous. (I) 0304 - Variant is present in gnomAD (v4) <0.0 (1 heterozygote, 0 homozygotes, 0 hemizygotes). (SP) 0604 - Variant is not located in an established domain, motif, hotspot or informative constraint region. (I) 0705 - No comparable in-frame deletion variants have previous evidence for pathogenicity. (I) 0801 - This variant has strong previous evidence of pathogenicity in unrelated individuals. This variant has been classified as likely pathogenic and pathogenic by clinical laboratories in ClinVar. This variant has also been observed in two unrelated hemizygous males with EDA-related symptoms, and was confirmed de novo in one (PMID: 31796081, 23991204). (SP) 0905 - No published segregation evidence has been identified for this variant. (I) 1007 - No published functional evidence has been identified for this variant. (I) Legend: (SP) - Supporting pathogenic, (I) - Information, (SB) - Supporting benign

Blueprint Genetics
Classification: Pathogenic for EDA-related disorders. Last evaluated: 2023-05-10. Review status: criteria provided, single submitter. Criteria: ACMG Guidelines, 2015. Collection method: clinical testing. Allele origin: germline. Affected: yes. Observed: 5 variant alleles.

Molecular Diagnostics Laboratory, M Health Fairview: University of Minnesota
Classification: Likely pathogenic for Hypohidrotic X-linked ectodermal dysplasia. Last evaluated: 2019-05-16. Review status: criteria provided, single submitter. Criteria: ACMG Guidelines, 2015. Collection method: clinical testing. Allele origin: germline. Affected: yes. Observed: 2 variant alleles.

Literature cited by the submitters: PubMed 23991204 (cited by 3 submitters); PubMed 16583127 (cited by Victorian Clinical Genetics Services, Murdoch Childrens Research Institute); PubMed 18510547 (cited by Victorian Clinical Genetics Services, Murdoch Childrens Research Institute); PubMed 31796081 (cited by Victorian Clinical Genetics Services, Murdoch Childrens Research Institute).

NM_001399.5(EDA):c.612_629del (p.202_204IPG[1])

Gene: EDA (ectodysplasin A; plus strand). Cytogenetic location: Xq13.1.
Variant type: Deletion.
Coding change: c.612_629del on transcript NM_001399.5 (MANE Select); coding-DNA positions 612 to 629, 18 bases deleted (GATTCCTGGAATTCCAGG).
Protein change: p.202_204IPG[1].
Molecular consequence: inframe deletion.
Genome position (GRCh38, 1-based): chrX:70,027,942-70,027,959, GATTCCTGGAATTCCAGG deleted; deleting any 18 consecutive bases within chrX:70,027,931-70,027,959 gives the same sequence; the c. name uses the placement nearest the transcript's 3' end. VCF-style (leftmost placement, unchanged base first): chrX-70027930-AGGAATTCCAGGGATTCCT-A. GRCh37 (hg19) VCF-style: chrX-69247780-AGGAATTCCAGGGATTCCT-A.
Other names: c.612_629delGATTCCTGGAATTCCAGG (NM_001399.4); c.612_629del (NM_001399.4); c.612_629del, p.202_204IPG[1] (NM_001005609.2, NM_001005612.3).
Identifiers: ClinVar variation 418170 (VCV000418170.17), dbSNP rs1064793104, ClinGen allele CA16621472.